The following is an entry in ClinVar:

NM_001105206.3(LAMA4):c.3161G>A (p.Gly1054Asp)

Gene: LAMA4 (laminin subunit alpha 4; minus strand). Cytogenetic location: 6q21.
Variant type: single nucleotide variant.
Coding change: c.3161G>A on transcript NM_001105206.3 (MANE Select); coding-DNA position 3161, G replaced by A.
Protein change: p.Gly1054Asp; replaces glycine 1054 with aspartic acid.
Molecular consequence: missense variant.
Genome position (GRCh38, 1-based): chr6:112,139,241, C>T on the plus strand (G>A on the coding strand, the complement: LAMA4 is on the minus strand). VCF-style: chr6-112139241-C-T. GRCh37 (hg19) VCF-style: chr6-112460443-C-T.
Other names: c.3140G>A, p.Gly1047Asp (NM_001105207.3, NM_002290.5); c.3140G>A (NM_002290.3); short protein forms G1047D, G1054D.
Identifiers: ClinVar variation 2151974 (VCV002151974.5), dbSNP rs782592337, ClinGen allele CA3965291.

ClinVar aggregate classification (germline): Uncertain significance. Review status: criteria provided, multiple submitters, no conflicts (2 of 4 stars). 2 submissions from 2 submitters: Uncertain significance (2). Last evaluated 2025-08-24.

Conditions:
Dilated cardiomyopathy 1JJ (CMD1JJ). Identifiers: Orphanet 154, MedGen C3808935, MONDO:0014095, OMIM 615235.
Cardiovascular phenotype. Identifiers: MedGen CN230736.

Allele frequency attached by ClinVar (database versions not stated): ExAC 0.00001; TOPMed 0.00002; gnomAD 0.00003; gnomAD exomes 0.00003.
gnomAD v4.1: 30 of 1,614,054 alleles (0.0019%); highest among the groups gnomAD compares: Middle Eastern, 0.033%; no homozygotes.

Submissions (2):

Labcorp Genetics (formerly Invitae), Labcorp
Classification: Uncertain significance for Dilated cardiomyopathy 1JJ. Last evaluated: 2025-08-24. Review status: criteria provided, single submitter. Criteria: Invitae Variant Classification Sherloc (09022015). Collection method: clinical testing. Allele origin: germline.
Comment: This sequence change replaces glycine, which is neutral and non-polar, with aspartic acid, which is acidic and polar, at codon 1047 of the LAMA4 protein (p.Gly1047Asp). This variant is present in population databases (rs782592337, gnomAD 0.005%). This missense change has been observed in individual(s) with dilated cardiomyopathy (PMID: 31983221, 32880476). This variant is also known as p.Gly1054Asp. ClinVar contains an entry for this variant (Variation ID: 2151974). Invitae Evidence Modeling of protein sequence and biophysical properties (such as structural, functional, and spatial information, amino acid conservation, physicochemical variation, residue mobility, and thermodynamic stability) indicates that this missense variant is expected to disrupt LAMA4 protein function with a positive predictive value of 80%. In summary, the available evidence is currently insufficient to determine the role of this variant in disease. Therefore, it has been classified as a Variant of Uncertain Significance.

Ambry Genetics
Classification: Uncertain significance for Cardiovascular phenotype. Last evaluated: 2023-09-21. Review status: criteria provided, single submitter. Criteria: Ambry Variant Classification Scheme 2023. Collection method: clinical testing. Allele origin: germline.
Comment: The p.G1047D variant (also known as c.3140G>A), located in coding exon 23 of the LAMA4 gene, results from a G to A substitution at nucleotide position 3140. The glycine at codon 1047 is replaced by aspartic acid, an amino acid with similar properties. This amino acid position is highly conserved in available vertebrate species. In addition, this alteration is predicted to be deleterious by in silico analysis. The evidence for this gene-disease relationship is limited; therefore, the clinical significance of this alteration is unclear.

Literature cited by the submitters: PubMed 31983221 (cited by Labcorp Genetics (formerly Invitae), Labcorp); PubMed 32880476 (cited by Labcorp Genetics (formerly Invitae), Labcorp).